The following is an entry in ClinVar:

NM_020223.4(FAM20C):c.458G>A (p.Gly153Asp)

Gene: FAM20C (FAM20C golgi associated secretory pathway kinase; plus strand). Cytogenetic location: 7p22.3.
Variant type: single nucleotide variant.
Coding change: c.458G>A on transcript NM_020223.4 (MANE Select); coding-DNA position 458, G replaced by A.
Protein change: p.Gly153Asp; replaces glycine 153 with aspartic acid.
Molecular consequence: missense variant.
Genome position (GRCh38, 1-based): chr7:193,657, G>A. VCF-style: chr7-193657-G-A. GRCh37 (hg19) VCF-style: chr7-193657-G-A.
Other names: c.458G>A (NM_020223.2); short protein forms G153D.
Identifiers: ClinVar variation 1045368 (VCV001045368.8), dbSNP rs751592577, ClinGen allele CA152256828.

ClinVar aggregate classification (germline): Uncertain significance. Review status: criteria provided, multiple submitters, no conflicts (2 of 4 stars). 3 submissions from 3 submitters: Uncertain significance (3). Last evaluated 2023-04-11.

Conditions:
Lethal osteosclerotic bone dysplasia (RNS). Also called: Osteomalacia, sclerosing, with cerebral calcification. Identifiers: Orphanet 1832, MedGen C1850106, MONDO:0009821, OMIM 259775.
Inborn genetic diseases. Identifiers: MedGen C0950123, MeSH D030342.

Allele frequency attached by ClinVar (database versions not stated): gnomAD exomes 0.00006; gnomAD 0.00009 and 0.00010; TOPMed 0.00011.
gnomAD v4.1: 244 of 1,540,560 alleles (0.016%); highest among the groups gnomAD compares: Non-Finnish European, 0.02%; no homozygotes.

Submissions (3):

Ambry Genetics
Classification: Uncertain significance for Inborn genetic diseases. Last evaluated: 2023-04-11. Review status: criteria provided, single submitter. Criteria: Ambry Variant Classification Scheme 2023. Collection method: clinical testing. Allele origin: germline.

Labcorp Genetics (formerly Invitae), Labcorp
Classification: Uncertain significance. Last evaluated: 2022-03-29. Review status: criteria provided, single submitter. Criteria: Invitae Variant Classification Sherloc (09022015). Collection method: clinical testing. Allele origin: germline.
Comment: This sequence change replaces glycine, which is neutral and non-polar, with aspartic acid, which is acidic and polar, at codon 153 of the FAM20C protein (p.Gly153Asp). This variant is present in population databases (rs751592577, gnomAD 0.01%). This variant has not been reported in the literature in individuals affected with FAM20C-related conditions. ClinVar contains an entry for this variant (Variation ID: 1045368). Algorithms developed to predict the effect of missense changes on protein structure and function are either unavailable or do not agree on the potential impact of this missense change (SIFT: "Deleterious"; PolyPhen-2: "Benign"; Align-GVGD: "Class C0"). In summary, the available evidence is currently insufficient to determine the role of this variant in disease. Therefore, it has been classified as a Variant of Uncertain Significance.

Fulgent Genetics
Classification: Uncertain significance for Lethal osteosclerotic bone dysplasia. Last evaluated: 2021-11-25. Review status: criteria provided, single submitter. Criteria: ACMG Guidelines, 2015. Collection method: clinical testing. Allele origin: unknown.